The following is an entry in ClinVar:

NM_206937.2(LIG4):c.22C>T (p.Gln8Ter)

Gene: LIG4 (DNA ligase 4; minus strand). Cytogenetic location: 13q33.3.
Variant type: single nucleotide variant.
Coding change: c.22C>T on transcript NM_206937.2 (MANE Select); coding-DNA position 22, C replaced by T.
Protein change: p.Gln8Ter; replaces glutamine 8 with a stop codon.
Molecular consequence: nonsense. On other transcripts: intron variant (2).
Genome position (GRCh38, 1-based): chr13:108,211,247, G>A on the plus strand (C>T on the coding strand, the complement: LIG4 is on the minus strand). VCF-style: chr13-108211247-G-A. GRCh37 (hg19) VCF-style: chr13-108863595-G-A.
Other names: c.22C>T, p.Gln8Ter (NM_001098268.2, NM_001352598.2, NM_001352599.2 and 6 more transcripts); c.-149-31C>T (NM_001330595.2); c.89-31C>T (NM_001352604.2); short protein forms Q8*.
Identifiers: ClinVar variation 2693449 (VCV002693449.3), dbSNP rs2501631607, ClinGen allele CA388624845.

ClinVar aggregate classification (germline): Pathogenic (1 of 4 stars; one submission).

Conditions:
DNA ligase IV deficiency. Identifiers: Orphanet 99812, MedGen C1847827, MONDO:0011686, OMIM 606593.

Submission:

Labcorp Genetics (formerly Invitae), Labcorp
Classification: Pathogenic for DNA ligase IV deficiency. Last evaluated: 2023-11-05. Review status: criteria provided, single submitter. Criteria: Invitae Variant Classification Sherloc (09022015). Collection method: clinical testing. Allele origin: germline.
Comment: This sequence change creates a premature translational stop signal (p.Gln8*) in the LIG4 gene. While this is not anticipated to result in nonsense mediated decay, it is expected to disrupt the last 904 amino acid(s) of the LIG4 protein. This variant is not present in population databases (gnomAD no frequency). This variant has not been reported in the literature in individuals affected with LIG4-related conditions. This variant disrupts a region of the LIG4 protein in which other variant(s) (p.Gln904*) have been determined to be pathogenic (PMID: 34630384). This suggests that this is a clinically significant region of the protein, and that variants that disrupt it are likely to be disease-causing. For these reasons, this variant has been classified as Pathogenic.

Literature cited by the submitters: PubMed 34630384.